The following is an entry in ClinVar:

NM_173354.5(SIK1):c.549G>T (p.Trp183Cys)

Gene: SIK1 (salt inducible kinase 1; minus strand). Cytogenetic location: 21q22.3.
Variant type: single nucleotide variant.
Coding change: c.549G>T on transcript NM_173354.5 (MANE Select); coding-DNA position 549, G replaced by T.
Protein change: p.Trp183Cys; replaces tryptophan 183 with cysteine.
Molecular consequence: missense variant.
Genome position (GRCh38, 1-based): chr21:43,421,318, C>A on the plus strand (G>T on the coding strand, the complement: SIK1 is on the minus strand). VCF-style: chr21-43421318-C-A. GRCh37 (hg19) VCF-style: chr21-44841198-C-A.
Other names: short protein forms W183C.
Identifiers: ClinVar variation 859410 (VCV000859410.13), dbSNP rs748074366, ClinGen allele CA321327815.

ClinVar aggregate classification (germline): Uncertain significance (1 of 4 stars; one submission).

Conditions:
Developmental and epileptic encephalopathy, 30 (DEE30). Also called: Epileptic encephalopathy, early infantile, 30. Identifiers: MedGen C4225360, MONDO:0014595, OMIM 616341.

Allele frequency attached by ClinVar (database versions not stated): gnomAD exomes below 0.00001; ExAC 0.00001.

Submission:

Labcorp Genetics (formerly Invitae), Labcorp
Classification: Uncertain significance for Developmental and epileptic encephalopathy, 30. Last evaluated: 2022-04-28. Review status: criteria provided, single submitter. Criteria: Invitae Variant Classification Sherloc (09022015). Collection method: clinical testing. Allele origin: germline.
Comment: This variant has not been reported in the literature in individuals affected with SIK1-related conditions. This variant is present in population databases (rs748074366, gnomAD 0.003%). This sequence change replaces tryptophan, which is neutral and slightly polar, with cysteine, which is neutral and slightly polar, at codon 183 of the SIK1 protein (p.Trp183Cys). ClinVar contains an entry for this variant (Variation ID: 859410). In summary, the available evidence is currently insufficient to determine the role of this variant in disease. Therefore, it has been classified as a Variant of Uncertain Significance. Algorithms developed to predict the effect of missense changes on protein structure and function are either unavailable or do not agree on the potential impact of this missense change (SIFT: "Tolerated"; PolyPhen-2: "Probably Damaging"; Align-GVGD: "Class C0").